The following is an entry in ClinVar:

NM_016357.5(LIMA1):c.973-4G>T

Gene: LIMA1 (LIM domain and actin binding 1; minus strand). Cytogenetic location: 12q13.12.
Variant type: single nucleotide variant.
Coding change: c.973-4G>T on transcript NM_016357.5 (MANE Select); 4 bases into the intron before coding-DNA position 973, G replaced by T.
Molecular consequence: intron variant.
Genome position (GRCh38, 1-based): chr12:50,195,891, C>A on the plus strand (G>T on the coding strand, the complement: LIMA1 is on the minus strand). VCF-style: chr12-50195891-C-A. GRCh37 (hg19) VCF-style: chr12-50589674-C-A.
Other names: c.700-4G>T (NM_001394893.1); c.739-4G>T (NM_001394892.1); c.973-4G>T (NM_001394891.1, NM_001394890.1, NM_001394889.1 and 4 more transcripts); c.493-4G>T (NM_001113547.2); c.67-4G>T (NM_001243775.2).
Identifiers: ClinVar variation 3042369 (VCV003042369.2), dbSNP rs200957875, ClinGen allele CA236746028.

ClinVar aggregate classification (germline): Likely benign (0 of 4 stars; one submission).

Conditions:
LIMA1-related disorder. Also called: LIMA1-related condition.

Submission:

PreventionGenetics, part of Exact Sciences
Classification: Likely benign for LIMA1-related condition. Last evaluated: 2019-06-03. Review status: no assertion criteria provided. Collection method: clinical testing. Allele origin: germline.
Comment: This variant is classified as likely benign based on ACMG/AMP sequence variant interpretation guidelines (Richards et al. 2015 PMID: 25741868, with internal and published modifications).